The following is an entry in ClinVar:

ClinVar aggregate classification (germline): Uncertain significance. Review status: criteria provided, multiple submitters, no conflicts (2 of 4 stars). 2 submissions from 2 submitters: Uncertain significance (2). Last evaluated 2025-06-11.

gnomAD v4.1: 11 of 1,613,892 alleles (0.00068%); highest among the groups gnomAD compares: East Asian, 0.0045%; no homozygotes.

Submissions (2):

Women's Health and Genetics/Laboratory Corporation of America, LabCorp
Classification: Uncertain significance. Last evaluated: 2025-06-11. Review status: criteria provided, single submitter. Criteria: LabCorp Variant Classification Summary - May 2015. Collection method: clinical testing. Allele origin: germline.
Comment: Variant summary: F5 c.5030A>G (p.Tyr1677Cys) results in a non-conservative amino acid change in the encoded protein sequence. Algorithms developed to predict the effect of missense changes on protein structure and function all suggest that this variant is likely to be disruptive. The variant allele was found at a frequency of 1.2e-05 in 250724 control chromosomes. The available data on variant occurrences in the general population are insufficient to allow any conclusion about variant significance. c.5030A>G has been observed in a compound heterozygous individual affected with Factor V Deficiency (Shim_2020). These data do not allow any conclusion about variant significance. To our knowledge, no experimental evidence demonstrating an impact on protein function has been reported. The following publication has been ascertained in the context of this evaluation (PMID: 32851759). ClinVar contains an entry for this variant (Variation ID: 3769829). Based on the evidence outlined above, the variant was classified as uncertain significance.

GeneDx
Classification: Uncertain significance. Last evaluated: 2024-09-14. Review status: criteria provided, single submitter. Criteria: GeneDx Variant Classification Process June 2021. Collection method: clinical testing. Allele origin: germline. Affected: yes.
Comment: In silico analysis supports that this missense variant has a deleterious effect on protein structure/function; This variant is associated with the following publications: (PMID: 32851759)

Literature cited by the submitters: PubMed 32851759 (cited by Women's Health and Genetics/Laboratory Corporation of America, LabCorp).

NM_000130.5(F5):c.5030A>G (p.Tyr1677Cys)

Gene: F5 (coagulation factor V; minus strand). Cytogenetic location: 1q24.2.
Variant type: single nucleotide variant.
Coding change: c.5030A>G on transcript NM_000130.5 (MANE Select); coding-DNA position 5030, A replaced by G.
Protein change: p.Tyr1677Cys; replaces tyrosine 1677 with cysteine.
Molecular consequence: missense variant.
Genome position (GRCh38, 1-based): chr1:169,530,964, T>C on the plus strand (A>G on the coding strand, the complement: F5 is on the minus strand). VCF-style: chr1-169530964-T-C. GRCh37 (hg19) VCF-style: chr1-169500202-T-C.
Other names: short protein forms Y1677C.
Identifiers: ClinVar variation 3769829 (VCV003769829.2).
Genomic context (GRCh38, chr1:169,530,964, plus strand): 5'-TCTTCCTTAAACCATTCAGGAGAGTCATCTTCATAAGTCTTTCCCTCTGATGATTTTTCA[T>C]AGGAAAGTCCATGGGCATGTAGAGAATACGGTCTGGATGCTAAATTTTTAAAACGAACCT-3'
Protein context (NP_000121.2, residues 1667-1687): PYSLHAHGLS[Tyr1677Cys]EKSSEGKTYE